The following is an entry in ClinVar:

NM_000722.4(CACNA2D1):c.1993A>G (p.Thr665Ala)

Gene: CACNA2D1 (calcium voltage-gated channel auxiliary subunit alpha2delta 1; minus strand). Cytogenetic location: 7q21.11.
Variant type: single nucleotide variant.
Coding change: c.1993A>G on transcript NM_000722.4 (MANE Select); coding-DNA position 1993, A replaced by G.
Protein change: p.Thr665Ala; replaces threonine 665 with alanine.
Molecular consequence: missense variant.
Genome position (GRCh38, 1-based): chr7:81,974,515, T>C on the plus strand (A>G on the coding strand, the complement: CACNA2D1 is on the minus strand). VCF-style: chr7-81974515-T-C. GRCh37 (hg19) VCF-style: chr7-81603831-T-C.
Other names: c.2029A>G, p.Thr677Ala (NM_001366867.1); c.1993A>G (NM_000722.2); short protein forms T665A, T677A.
Identifiers: ClinVar variation 532069 (VCV000532069.9), dbSNP rs780901801, ClinGen allele CA4317780.
Genomic context (GRCh38, chr7:81,974,515, plus strand): 5'-ATGATGGGTTGTTTGGAGTTTTTCTATCAATAAACTCGTTGAAATTTAAAAGAAATTCAG[T>C]GTTATTATCCGATATTTTCAGGTCATTGCAGTAATCTCTGAAAAAAAAACATTTTGAGAT-3'
Protein context (NP_000713.2, residues 655-675): CNDLKISDNN[Thr665Ala]EFLLNFNEFI

ClinVar aggregate classification (germline): Uncertain significance. Review status: criteria provided, multiple submitters, no conflicts (2 of 4 stars). 2 submissions from 2 submitters: Uncertain significance (2). Last evaluated 2024-05-21.

Conditions:
Brugada syndrome. Also called: Sudden Unexplained Death Syndrome; Sudden Unexplained Nocturnal Death Syndrome (SUNDS); Sudden unexplained nocturnal death syndrome; Sudden unexpected nocturnal death syndrome. Identifiers: Orphanet 130, MedGen C1142166, MONDO:0015263.
Cardiovascular phenotype. Identifiers: MedGen CN230736.

Allele frequency attached by ClinVar (database versions not stated): gnomAD 0.00002; TOPMed 0.00003.
gnomAD v4.1: 16 of 1,576,024 alleles (0.001%); highest among the groups gnomAD compares: Non-Finnish European, 0.0013%; no homozygotes.

Submissions (2):

Ambry Genetics
Classification: Uncertain significance for Cardiovascular phenotype. Last evaluated: 2024-05-21. Review status: criteria provided, single submitter. Criteria: Ambry Variant Classification Scheme 2023. Collection method: clinical testing. Allele origin: germline.

Labcorp Genetics (formerly Invitae), Labcorp
Classification: Uncertain significance for Brugada syndrome. Last evaluated: 2023-10-28. Review status: criteria provided, single submitter. Criteria: Invitae Variant Classification Sherloc (09022015). Collection method: clinical testing. Allele origin: germline.
Comment: This sequence change replaces threonine, which is neutral and polar, with alanine, which is neutral and non-polar, at codon 665 of the CACNA2D1 protein (p.Thr665Ala). This variant is present in population databases (rs780901801, gnomAD 0.004%). This variant has not been reported in the literature in individuals affected with CACNA2D1-related conditions. ClinVar contains an entry for this variant (Variation ID: 532069). An algorithm developed to predict the effect of missense changes on protein structure and function (PolyPhen-2) suggests that this variant is likely to be disruptive. In summary, the available evidence is currently insufficient to determine the role of this variant in disease. Therefore, it has been classified as a Variant of Uncertain Significance.